The following is an entry in ClinVar:

NM_000181.4(GUSB):c.1654-1G>A

Gene: GUSB (glucuronidase beta; minus strand). Cytogenetic location: 7q11.21.
Variant type: single nucleotide variant.
Coding change: c.1654-1G>A on transcript NM_000181.4 (MANE Select); the canonical splice acceptor site of the intron before coding-DNA position 1654, G replaced by A.
Molecular consequence: splice acceptor variant.
Genome position (GRCh38, 1-based): chr7:65,964,459, C>T on the plus strand (G>A on the coding strand, the complement: GUSB is on the minus strand). VCF-style: chr7-65964459-C-T. GRCh37 (hg19) VCF-style: chr7-65429446-C-T.
Other names: c.997-1G>A (NM_001293105.2); c.1084-1G>A (NM_001293104.2); c.1216-1G>A (NM_001284290.2).
Identifiers: ClinVar variation 2865523 (VCV002865523.3), dbSNP rs2484749278, ClinGen allele CA367639136.

ClinVar aggregate classification (germline): Likely pathogenic (1 of 4 stars; one submission).

Conditions:
Mucopolysaccharidosis type 7 (MPS7). Also called: MPS VII; BETA-GLUCURONIDASE DEFICIENCY; GUSB DEFICIENCY; SLY SYNDROME. Identifiers: Orphanet 584, MedGen C0085132, MONDO:0009662, OMIM 253220.

Submission:

Labcorp Genetics (formerly Invitae), Labcorp
Classification: Likely pathogenic for Mucopolysaccharidosis type 7. Last evaluated: 2024-01-28. Review status: criteria provided, single submitter. Criteria: Invitae Variant Classification Sherloc (09022015). Collection method: clinical testing. Allele origin: germline.
Comment: This sequence change affects an acceptor splice site in intron 10 of the GUSB gene. It is expected to disrupt RNA splicing. Variants that disrupt the donor or acceptor splice site typically lead to a loss of protein function (PMID: 16199547), and loss-of-function variants in GUSB are known to be pathogenic (PMID: 19224584). This variant is not present in population databases (gnomAD no frequency). This variant has not been reported in the literature in individuals affected with GUSB-related conditions. Algorithms developed to predict the effect of sequence changes on RNA splicing suggest that this variant may disrupt the consensus splice site. In summary, the currently available evidence indicates that the variant is pathogenic, but additional data are needed to prove that conclusively. Therefore, this variant has been classified as Likely Pathogenic.

Literature cited by the submitters: PubMed 16199547; PubMed 19224584.